The following is an entry in ClinVar:

ClinVar aggregate classification (germline): Uncertain significance. Review status: criteria provided, multiple submitters, no conflicts (2 of 4 stars). 3 submissions from 3 submitters: Uncertain significance (3). Last evaluated 2026-04-27.

Conditions:
Hereditary cancer-predisposing syndrome. Also called: Neoplastic Syndromes, Hereditary; Tumor predisposition; Hereditary Cancer Syndrome; Hereditary neoplastic syndrome. Identifiers: Orphanet 140162, MedGen C0027672, MeSH D009386, MONDO:0015356.
Familial adenomatous polyposis 1 (FAP1). Also called: FAMILIAL ADENOMATOUS POLYPOSIS 1, ATTENUATED; POLYPOSIS, ADENOMATOUS INTESTINAL. Identifiers: MedGen C2713442, MONDO:0021056, OMIM 175100. Disease mechanism: loss of function.

Submissions (3):

Ambry Genetics
Classification: Uncertain significance for Hereditary cancer-predisposing syndrome. Last evaluated: 2026-04-27. Review status: criteria provided, single submitter. Criteria: Ambry Variant Classification Scheme 2023. Collection method: clinical testing. Allele origin: germline.
Comment: The c.376_377delGGinsTT variant (also known as p.G126L), located in coding exon 3 of the APC gene, results from an in-frame deletion of GG and insertion of TT at nucleotide positions 376 to 377. This results in the substitution of the glycine residue for a leucine residue at codon 126, an amino acid with dissimilar properties. This amino acid position is highly conserved in available vertebrate species. In addition, this alteration is predicted to be neutral by in silico analysis (Choi Y et al. PLoS ONE. 2012; 7(10):e46688). Based on the available evidence, the clinical significance of this variant remains unclear.

Color Diagnostics, LLC DBA Color Health
Classification: Uncertain significance for Hereditary cancer-predisposing syndrome. Last evaluated: 2025-07-15. Review status: criteria provided, single submitter. Criteria: ACMG Guidelines, 2015. Collection method: clinical testing. Allele origin: germline.
Comment: This missense variant replaces glycine with leucine at codon 126 of the APC protein. To our knowledge, functional studies have not been reported for this variant. This variant has not been reported in individuals affected with APC-related disorders in the literature. This variant has not been identified in the general population by the Genome Aggregation Database (gnomAD). The available evidence is insufficient to determine the role of this variant in disease conclusively. Therefore, this variant is classified as a Variant of Uncertain Significance.

Labcorp Genetics (formerly Invitae), Labcorp
Classification: Uncertain significance for Familial adenomatous polyposis 1. Last evaluated: 2024-06-30. Review status: criteria provided, single submitter. Criteria: Invitae Variant Classification Sherloc (09022015). Collection method: clinical testing. Allele origin: germline.
Comment: This sequence change replaces glycine, which is neutral and non-polar, with leucine, which is neutral and non-polar, at codon 126 of the APC protein (p.Gly126Leu). This variant is present in population databases (no rsID available, gnomAD 0.002%). This variant has not been reported in the literature in individuals affected with APC-related conditions. ClinVar contains an entry for this variant (Variation ID: 1734668). An algorithm developed to predict the effect of missense changes on protein structure and function (PolyPhen-2) suggests that this variant is likely to be disruptive. In summary, the available evidence is currently insufficient to determine the role of this variant in disease. Therefore, it has been classified as a Variant of Uncertain Significance.

NM_000038.6(APC):c.376_377delinsTT (p.Gly126Leu)

Gene: APC (APC regulator of Wnt signaling pathway; plus strand). Cytogenetic location: 5q22.2.
Variant type: Indel.
Coding change: c.376_377delinsTT on transcript NM_000038.6 (MANE Select); coding-DNA positions 376 to 377, GG replaced by TT.
Protein change: p.Gly126Leu; replaces glycine 126 with leucine.
Molecular consequence: missense variant. On other transcripts: 5 prime UTR variant (1).
Genome position (GRCh38, 1-based): chr5:112,767,344-112,767,345, GG replaced by TT. VCF-style: chr5-112767344-GG-TT. GRCh37 (hg19) VCF-style: chr5-112103041-GG-TT.
Other names: c.376_377delinsTT, p.Gly126Leu (NM_001127510.3, NM_001354895.2, NM_001354896.2 and 2 more transcripts); c.406_407delinsTT, p.Gly136Leu (NM_001127511.3, NM_001354897.2, NM_001354902.2); c.301_302delinsTT, p.Gly101Leu (NM_001354898.2, NM_001354904.2); c.199_200delinsTT, p.Gly67Leu (NM_001354900.2, NM_001354901.2, NM_001354905.2); c.-660_-659delinsTT (NM_001354906.2); c.406_407delGGinsTT, p.Gly136Leu (NM_001407446.1); c.376_377delGGinsTT, p.Gly126Leu (NM_001407447.1, NM_001407448.1, NM_001407449.1 and 11 more transcripts); c.301_302delGGinsTT, p.Gly101Leu (NM_001407451.1); and 2 more; short protein forms G67L, G136L, G101L, G126L.
Identifiers: ClinVar variation 1734668 (VCV001734668.9), dbSNP rs2532300483, ClinGen allele CA2580072395.
Genomic context (GRCh38, chr5:112,767,344, plus strand): 5'-CGTTCTGGAGAGTGCAGTCCTGTTCCTATGGGTTCATTTCCAAGAAGAGGGTTTGTAAAT[GG>TT]AAGCAGAGAAAGTACTGGATATTTAGAAGAACTTGAGAAAGAGAGGTAACTTTTCTTCAT-3'
Protein context (NP_000029.2, residues 116-136): GSFPRRGFVN[Gly126Leu]SRESTGYLEE